The following is an entry in ClinVar:

ClinVar aggregate classification (germline): Pathogenic (1 of 4 stars; one submission).

Conditions:
Hereditary breast ovarian cancer syndrome. Also called: Hereditary breast and ovarian cancer syndrome (HBOC); Hereditary breast and ovarian cancer; BRCA1- and BRCA2-Associated Hereditary Breast and Ovarian Cancer; Hereditary breast and ovarian cancer syndrome; Hereditary breast and/or ovarian cancer syndrome; Breast and ovarian cancer. Identifiers: Orphanet 145, MedGen C0677776, MeSH D061325, MONDO:0003582. Disease mechanism: loss of function.

Submission:

Labcorp Genetics (formerly Invitae), Labcorp
Classification: Pathogenic for Hereditary breast ovarian cancer syndrome. Last evaluated: 2024-03-12. Review status: criteria provided, single submitter. Criteria: Invitae Variant Classification Sherloc (09022015). Collection method: clinical testing. Allele origin: germline.
Comment: This sequence change creates a premature translational stop signal (p.Ser1253Valfs*2) in the BRCA1 gene. It is expected to result in an absent or disrupted protein product. Loss-of-function variants in BRCA1 are known to be pathogenic (PMID: 20104584). This variant is not present in population databases (gnomAD no frequency). This variant has not been reported in the literature in individuals affected with BRCA1-related conditions. For these reasons, this variant has been classified as Pathogenic.

Literature cited by the submitters: PubMed 20104584.

NM_007294.4(BRCA1):c.3755dup (p.Ser1253fs)

Genes: BRCA1 (BRCA1 DNA repair associated; minus strand), LOC126862571 (BRD4-independent group 4 enhancer GRCh37_chr17:41243136-41244335; plus strand). Cytogenetic location: 17q21.31.
Variant type: Duplication.
Coding change: c.3755dup on transcript NM_007294.4 (MANE Select); coding-DNA position 3755, one base duplicated (T; older notation c.3755dupT).
Protein change: p.Ser1253fs; shifts the reading frame from serine 1253.
Molecular consequence: frameshift variant. On other transcripts: intron variant (135).
Genome position (GRCh38, 1-based): chr17:43,091,776, A duplicated on the plus strand (T on the coding strand, the reverse complement: BRCA1 is on the minus strand). VCF-style (leftmost placement, unchanged base first): chr17-43091775-C-CA. GRCh37 (hg19) VCF-style: chr17-41243792-C-CA.
Other names: c.662-744dup (NM_001408434.1, NM_001408447.1, NM_001408433.1 and 6 more transcripts); c.785-744dup (NM_001408398.1, NM_001407992.1, NM_001408400.1 and 13 more transcripts); c.665-744dup (NM_001408440.1, NM_001408428.1, NM_001408441.1 and 12 more transcripts); c.671-744dup (NM_001408418.1, NM_001408423.1, NM_001408420.1 and 2 more transcripts); c.578-744dup (NM_001408485.1, NM_001408514.1, NM_001408481.1 and 9 more transcripts); c.710-744dup (NM_001408414.1, NM_001408411.1, NM_001408412.1 and 2 more transcripts); c.788-744dup (NM_001407981.1, NM_007298.4, NM_001407978.1 and 17 more transcripts); c.644-744dup (NM_001408462.1, NM_001408470.1, NM_001408464.1 and 3 more transcripts); and 41 more; short protein forms S1125fs, S1164fs, S1165fs, S1183fs, S1206fs, S1226fs, S1085fs, S1205fs.
Identifiers: ClinVar variation 3645421 (VCV003645421.2).